The following is an entry in ClinVar:

NM_001162501.2(TNRC6B):c.1741G>A (p.Gly581Arg)

Gene: TNRC6B (trinucleotide repeat containing adaptor 6B; plus strand). Cytogenetic location: 22q13.1.
Variant type: single nucleotide variant.
Coding change: c.1741G>A on transcript NM_001162501.2 (MANE Select); coding-DNA position 1741, G replaced by A.
Protein change: p.Gly581Arg; replaces glycine 581 with arginine.
Molecular consequence: missense variant. On other transcripts: intron variant (1).
Genome position (GRCh38, 1-based): chr22:40,265,971, G>A. VCF-style: chr22-40265971-G-A. GRCh37 (hg19) VCF-style: chr22-40661975-G-A.
Other names: c.1741G>A, p.Gly581Arg (NM_015088.3); c.565+3798G>A (NM_001024843.2); short protein forms G581R.
Identifiers: ClinVar variation 3600932 (VCV003600932.1).

ClinVar aggregate classification (germline): Uncertain significance (1 of 4 stars; one submission).

Submission:

GeneDx
Classification: Uncertain significance. Last evaluated: 2024-07-23. Review status: criteria provided, single submitter. Criteria: GeneDx Variant Classification Process June 2021. Collection method: clinical testing. Allele origin: germline. Affected: yes.
Comment: Not observed at significant frequency in large population cohorts (gnomAD); In silico analysis supports that this missense variant has a deleterious effect on protein structure/function; Has not been previously published as pathogenic or benign to our knowledge